The following is an entry in ClinVar:

NM_000435.3(NOTCH3):c.2236G>T (p.Gly746Cys)

Gene: NOTCH3 (notch receptor 3; minus strand). Cytogenetic location: 19p13.12.
Variant type: single nucleotide variant.
Coding change: c.2236G>T on transcript NM_000435.3 (MANE Select); coding-DNA position 2236, G replaced by T.
Protein change: p.Gly746Cys; replaces glycine 746 with cysteine.
Molecular consequence: missense variant.
Genome position (GRCh38, 1-based): chr19:15,185,317, C>A on the plus strand (G>T on the coding strand, the complement: NOTCH3 is on the minus strand). VCF-style: chr19-15185317-C-A. GRCh37 (hg19) VCF-style: chr19-15296128-C-A.
Other names: short protein forms G746C.
Identifiers: ClinVar variation 2918829 (VCV002918829.3), dbSNP rs1481559244, ClinGen allele CA404521699.

ClinVar aggregate classification (germline): Uncertain significance (1 of 4 stars; one submission).

Submission:

Labcorp Genetics (formerly Invitae), Labcorp
Classification: Uncertain significance. Last evaluated: 2024-04-29. Review status: criteria provided, single submitter. Criteria: Invitae Variant Classification Sherloc (09022015). Collection method: clinical testing. Allele origin: germline.
Comment: This sequence change replaces glycine, which is neutral and non-polar, with cysteine, which is neutral and slightly polar, at codon 746 of the NOTCH3 protein (p.Gly746Cys). This variant is not present in population databases (gnomAD no frequency). This variant has not been reported in the literature in individuals affected with NOTCH3-related conditions. Advanced modeling of protein sequence and biophysical properties (such as structural, functional, and spatial information, amino acid conservation, physicochemical variation, residue mobility, and thermodynamic stability) performed at Invitae indicates that this missense variant is expected to disrupt NOTCH3 protein function with a positive predictive value of 95%. In summary, the available evidence is currently insufficient to determine the role of this variant in disease. Therefore, it has been classified as a Variant of Uncertain Significance.